The following is an entry in ClinVar:

NM_001267727.2(ARSG):c.529C>T (p.Pro177Ser)

Gene: ARSG (arylsulfatase G; plus strand). Cytogenetic location: 17q24.2.
Variant type: single nucleotide variant.
Coding change: c.529C>T on transcript NM_001267727.2 (MANE Select); coding-DNA position 529, C replaced by T.
Protein change: p.Pro177Ser; replaces proline 177 with serine.
Molecular consequence: missense variant.
Genome position (GRCh38, 1-based): chr17:68,351,649, C>T. VCF-style: chr17-68351649-C-T. GRCh37 (hg19) VCF-style: chr17-66347790-C-T.
Other names: c.529C>T, p.Pro177Ser (NM_001352899.2, NM_001352900.2, NM_001352901.2 and 8 more transcripts); c.481C>T, p.Pro161Ser (NM_001352909.2); short protein forms P161S, P177S.
Identifiers: ClinVar variation 853466 (VCV000853466.8), dbSNP rs150020444, ClinGen allele CA8728258.

ClinVar aggregate classification (germline): Conflicting classifications of pathogenicity. Review status: criteria provided, conflicting classifications (1 of 4 stars). 3 submissions from 3 submitters: Uncertain significance (1); Likely benign (1). 1 of the submissions does not count toward it. Last evaluated 2025-01-15.

Conditions:
ARSG-related disorder. Also called: ARSG-related condition.

Allele frequency attached by ClinVar (database versions not stated): ESP Exome Variant Server 0.00031; 1000 Genomes Project 0.00060; 1000 Genomes Project 30x 0.00062; ExAC 0.00063; gnomAD 0.00070 and 0.00073; TOPMed 0.00080.
gnomAD v4.1: 909 of 1,613,886 alleles (0.056%); highest among the groups gnomAD compares: Admixed American, 0.17%; 4 homozygotes.

Submissions (3):

Labcorp Genetics (formerly Invitae), Labcorp
Classification: Uncertain significance. Last evaluated: 2025-01-15. Review status: criteria provided, single submitter. Criteria: Invitae Variant Classification Sherloc (09022015). Collection method: clinical testing. Allele origin: germline.
Comment: This sequence change replaces proline, which is neutral and non-polar, with serine, which is neutral and polar, at codon 177 of the ARSG protein (p.Pro177Ser). This variant is present in population databases (rs150020444, gnomAD 0.1%), and has an allele count higher than expected for a pathogenic variant. This variant has not been reported in the literature in individuals affected with ARSG-related conditions. ClinVar contains an entry for this variant (Variation ID: 853466). An algorithm developed to predict the effect of missense changes on protein structure and function (PolyPhen-2) suggests that this variant¬†is likely to be tolerated. In summary, the available evidence is currently insufficient to determine the role of this variant in disease. Therefore, it has been classified as a Variant of Uncertain Significance.

Blueprint Genetics
Classification: Likely benign. Last evaluated: 2024-11-13. Review status: criteria provided, single submitter. Criteria: ACMG Guidelines, 2015. Collection method: clinical testing. Allele origin: germline.

PreventionGenetics, part of Exact Sciences
Classification: Likely benign for ARSG-related condition. Last evaluated: 2024-07-12. Review status: no assertion criteria provided. Collection method: clinical testing. Allele origin: germline. Not counted in ClinVar's aggregate classification.
Comment: This variant is classified as likely benign based on ACMG/AMP sequence variant interpretation guidelines (Richards et al. 2015 PMID: 25741868, with internal and published modifications).